The following is an entry in ClinVar:

ClinVar aggregate classification (germline): Pathogenic (1 of 4 stars; one submission).

Conditions:
Torsion dystonia 6 (DYT6). Also called: DYT-THAP1. Identifiers: Orphanet 98806, MedGen C1414216, MONDO:0011264, OMIM 602629.

Submission:

Labcorp Genetics (formerly Invitae), Labcorp
Classification: Pathogenic for Torsion dystonia 6. Last evaluated: 2021-10-11. Review status: criteria provided, single submitter. Criteria: Invitae Variant Classification Sherloc (09022015). Collection method: clinical testing. Allele origin: germline.
Comment: This premature translational stop signal has been observed in individual(s) with dystonia (PMID: 24976531). This variant is not present in population databases (ExAC no frequency). This sequence change creates a premature translational stop signal (p.Ile116Metfs*4) in the THAP1 gene. While this is not anticipated to result in nonsense mediated decay, it is expected to disrupt the last 98 amino acid(s) of the THAP1 protein. This variant disrupts a region of the THAP1 protein in which other variant(s) (p.Arg169*) have been determined to be pathogenic (Invitae). This suggests that this is a clinically significant region of the protein, and that variants that disrupt it are likely to be disease-causing. For these reasons, this variant has been classified as Pathogenic.

Literature cited by the submitters: PubMed 24976531.

NM_018105.3(THAP1):c.348del (p.Ile116fs)

Gene: THAP1 (THAP domain containing 1; minus strand). Cytogenetic location: 8p11.21.
Variant type: Deletion.
Coding change: c.348del on transcript NM_018105.3 (MANE Select); coding-DNA position 348, one base deleted (T; older notation c.348delT).
Protein change: p.Ile116fs; shifts the reading frame from isoleucine 116.
Molecular consequence: frameshift variant.
Genome position (GRCh38, 1-based): chr8:42,838,256, A deleted on the plus strand (T on the coding strand, the reverse complement: THAP1 is on the minus strand); the first of 2 consecutive A bases (chr8:42,838,256-42,838,257); deleting either gives the same sequence. VCF-style (leftmost placement, unchanged base first): chr8-42838255-CA-C. GRCh37 (hg19) VCF-style: chr8-42693398-CA-C.
Other names: c.152del, p.Leu51fs (NM_199003.2); short protein forms I116fs, L51fs.
Identifiers: ClinVar variation 1457202 (VCV001457202.6), dbSNP rs2128918456, ClinGen allele CA2573143170.